The following is an entry in ClinVar:

ClinVar aggregate classification (germline): Uncertain significance (1 of 4 stars; one submission).

Submission:

GeneDx
Classification: Uncertain significance. Last evaluated: 2022-05-13. Review status: criteria provided, single submitter. Criteria: GeneDx Variant Classification Process June 2021. Collection method: clinical testing. Allele origin: germline. Affected: yes.
Comment: Not observed at significant frequency in large population cohorts (gnomAD); In silico analysis supports a deleterious effect on protein structure/function; Has not been previously published as pathogenic or benign to our knowledge

NM_000151.4(G6PC1):c.125_133delinsACTTCTACA (p.Ala42_Val45delinsAspPheTyrIle)

Gene: G6PC1 (glucose-6-phosphatase catalytic subunit 1; plus strand). Cytogenetic location: 17q21.31.
Variant type: Indel.
Coding change: c.125_133delinsACTTCTACA on transcript NM_000151.4 (MANE Select); coding-DNA positions 125 to 133, CCTTCTACG replaced by ACTTCTACA.
Protein change: p.Ala42_Val45delinsAspPheTyrIle.
Molecular consequence: missense variant.
Genome position (GRCh38, 1-based): chr17:42,901,001-42,901,009, CCTTCTACG replaced by ACTTCTACA. VCF-style: chr17-42901001-CCTTCTACG-ACTTCTACA. GRCh37 (hg19) VCF-style: chr17-41053018-CCTTCTACG-ACTTCTACA.
Other names: c.125_133delCCTTCTACGinsACTTCTACA, p.Ala42_Val45delinsAspPheTyrIle (NM_000151.2); c.125_133delinsACTTCTACA, p.Ala42_Val45delinsAspPheTyrIle (NM_001270397.2).
Identifiers: ClinVar variation 1800699 (VCV001800699.1), dbSNP rs2544206512, ClinGen allele CA2580093767.